The following is an entry in ClinVar:

NM_017617.5(NOTCH1):c.1325A>C (p.Gln442Pro)

Gene: NOTCH1 (notch receptor 1; minus strand). Cytogenetic location: 9q34.3.
Variant type: single nucleotide variant.
Coding change: c.1325A>C on transcript NM_017617.5 (MANE Select); coding-DNA position 1325, A replaced by C.
Protein change: p.Gln442Pro; replaces glutamine 442 with proline.
Molecular consequence: missense variant.
Genome position (GRCh38, 1-based): chr9:136,517,868, T>G on the plus strand (A>C on the coding strand, the complement: NOTCH1 is on the minus strand). VCF-style: chr9-136517868-T-G. GRCh37 (hg19) VCF-style: chr9-139412320-T-G.
Other names: short protein forms Q442P.
Identifiers: ClinVar variation 1769983 (VCV001769983.2), dbSNP rs1383733863, ClinGen allele CA375563220.

ClinVar aggregate classification (germline): Uncertain significance (1 of 4 stars; one submission).

Conditions:
Familial thoracic aortic aneurysm and aortic dissection (TAAD). Also called: Thoracic aortic aneurysms and dissections. Identifiers: Orphanet 91387, MedGen C4707243, MONDO:0019625.

Submission:

Ambry Genetics
Classification: Uncertain significance for Familial thoracic aortic aneurysm and aortic dissection. Last evaluated: 2022-05-09. Review status: criteria provided, single submitter. Criteria: Ambry Variant Classification Scheme 2023. Collection method: clinical testing. Allele origin: germline.
Comment: The p.Q442P variant (also known as c.1325A>C), located in coding exon 8 of the NOTCH1 gene, results from an A to C substitution at nucleotide position 1325. The glutamine at codon 442 is replaced by proline, an amino acid with similar properties. This amino acid position is conserved. In addition, this alteration is predicted to be tolerated by in silico analysis. Since supporting evidence is limited at this time, the clinical significance of this alteration remains unclear.